The following is an entry in ClinVar:

NM_001097577.3(ANG):c.54_59dup (p.Pro20_Pro21insThrPro)

Genes: ANG (angiogenin; plus strand), EGILA (EGFR interacting lncRNA; minus strand), RNASE4 (ribonuclease A family member 4; plus strand). Cytogenetic location: 14q11.2.
Variant type: Duplication.
Coding change: c.54_59dup on transcript NM_001097577.3 (MANE Select); coding-DNA positions 54 to 59, 6 bases duplicated (GACCCC; older notation c.54_59dupGACCCC).
Protein change: p.Pro20_Pro21insThrPro.
Molecular consequence: inframe insertion. On other transcripts: 5 prime UTR variant (1), intron variant (3), non-coding transcript variant (1).
Genome position (GRCh38, 1-based): chr14:20,693,618-20,693,623, GACCCC duplicated. VCF-style (leftmost placement, unchanged base first): chr14-20693617-T-TGACCCC. GRCh37 (hg19) VCF-style: chr14-21161776-T-TGACCCC.
Other names: c.54_59dup, p.Pro20_Pro21insThrPro (NM_001145.4, NM_001385271.1, NM_001385272.1 and 2 more transcripts); c.-50_-45dup (NM_001282192.2); c.-17-5737_-17-5732dup (NM_002937.5, NM_001282193.2); c.-18+4744_-18+4749dup (NM_194431.3).
Identifiers: ClinVar variation 3608916 (VCV003608916.2).
Genomic context (GRCh38, chr14:20,693,617, plus strand): 5'-TGGAAGAGATGGTGATGGGCCTGGGCGTTTTGTTGTTGGTCTTCGTGCTGGGTCTGGGTC[T>TGACCCC]GACCCCACCGACCCTGGCTCAGGATAACTCCAGGTACACACACTTCCTGACCCAGCACTA-3'

ClinVar aggregate classification (germline): Uncertain significance (1 of 4 stars; one submission).

Submission:

Labcorp Genetics (formerly Invitae), Labcorp
Classification: Uncertain significance. Last evaluated: 2024-05-09. Review status: criteria provided, single submitter. Criteria: Invitae Variant Classification Sherloc (09022015). Collection method: clinical testing. Allele origin: germline.
Comment: This variant, c.54_59dup, results in the insertion of 2 amino acid(s) of the ANG protein (p.Thr19_Pro20dup), but otherwise preserves the integrity of the reading frame. This variant is present in population databases (no rsID available, gnomAD 0.0009%). This variant has not been reported in the literature in individuals affected with ANG-related conditions. In summary, the available evidence is currently insufficient to determine the role of this variant in disease. Therefore, it has been classified as a Variant of Uncertain Significance.